The following is an entry in ClinVar:

NM_000264.5(PTCH1):c.1603-2A>G

Gene: PTCH1 (patched 1; minus strand). Cytogenetic location: 9q22.32.
Variant type: single nucleotide variant.
Coding change: c.1603-2A>G on transcript NM_000264.5 (MANE Select); the canonical splice acceptor site of the intron before coding-DNA position 1603, A replaced by G.
Molecular consequence: splice acceptor variant.
Genome position (GRCh38, 1-based): chr9:95,476,161, T>C on the plus strand (A>G on the coding strand, the complement: PTCH1 is on the minus strand). VCF-style: chr9-95476161-T-C. GRCh37 (hg19) VCF-style: chr9-98238443-T-C.
Other names: c.1600-2A>G (NM_001083603.3); c.1405-2A>G (NM_001083602.3); c.1447-2A>G (NM_001354918.2); c.1150-2A>G (NM_001083605.3, NM_001083604.3, NM_001083606.3 and 1 more transcripts).
Identifiers: ClinVar variation 419508 (VCV000419508.17), dbSNP rs1064793921, ClinGen allele CA16618908.

ClinVar aggregate classification (germline): Pathogenic/Likely pathogenic. Review status: criteria provided, multiple submitters, no conflicts (2 of 4 stars). 4 submissions from 4 submitters: Pathogenic (3); Likely pathogenic (1). Last evaluated 2025-02-09.

Conditions:
Basal cell nevus syndrome 1 (BCNS1). Also called: GORLIN-GOLTZ SYNDROME; MULTIPLE BASAL CELL NEVI, ODONTOGENIC KERATOCYSTS, AND SKELETAL ANOMALIES. Identifiers: MedGen CN376810, MONDO:0958174, OMIM 109400.
Gorlin syndrome. Also called: Basal cell nevus syndrome; Nevoid Basal Cell Carcinoma Syndrome. Identifiers: Orphanet 377, MedGen C0004779, MONDO:0007187.
PTCH1-related disorder. Also called: PTCH1-related disorders; PTCH1-related condition.

Submissions (4):

Labcorp Genetics (formerly Invitae), Labcorp
Classification: Pathogenic for Gorlin syndrome. Last evaluated: 2025-02-09. Review status: criteria provided, single submitter. Criteria: Invitae Variant Classification Sherloc (09022015). Collection method: clinical testing. Allele origin: germline.
Comment: This sequence change affects an acceptor splice site in intron 11 of the PTCH1 gene. It is expected to disrupt RNA splicing. Variants that disrupt the donor or acceptor splice site typically lead to a loss of protein function (PMID: 16199547), and loss-of-function variants in PTCH1 are known to be pathogenic (PMID: 16301862, 16419085). This variant is not present in population databases (gnomAD no frequency). Disruption of this splice site has been observed in individuals with clinical features of Gorlin syndrome (PMID: 24814739; internal data). ClinVar contains an entry for this variant (Variation ID: 419508). Algorithms developed to predict the effect of sequence changes on RNA splicing suggest that this variant may disrupt the consensus splice site. For these reasons, this variant has been classified as Pathogenic.

GeneDx
Classification: Likely pathogenic. Last evaluated: 2024-12-07. Review status: criteria provided, single submitter. Criteria: GeneDx Variant Classification Process June 2021. Collection method: clinical testing. Allele origin: germline. Affected: yes.
Comment: Canonical splice site variant predicted to result in an in-frame loss of the adjacent exon in a gene for which loss of function is a known mechanism of disease; Not observed at significant frequency in large population cohorts (gnomAD); Deletions involving coding exons of this gene are a known mechanism of disease (HGMD); Has not been previously published as pathogenic or benign to our knowledge

PreventionGenetics, part of Exact Sciences
Classification: Pathogenic for PTCH1-related condition. Last evaluated: 2023-03-02. Review status: criteria provided, single submitter. Criteria: ACMG Guidelines, 2015. Collection method: clinical testing. Allele origin: germline.
Comment: The PTCH1 c.1603-2A>G variant is predicted to disrupt the AG splice acceptor site and interfere with normal splicing. To our knowledge, this variant has not been reported in the literature or in a large population database, indicating this variant is rare. A different nucleotide change at the same position (c.1603-2A>C) has been reported in an individual with nevoid basal cell carcinoma/Gorlin-Goltz syndrome (Patient 16 in Table 2, Larsen et al. 2014. PubMed ID: 24814739). Variants that disrupt the consensus splice acceptor site in PTCH1 are expected to be pathogenic. This variant is interpreted as pathogenic.

Victorian Clinical Genetics Services, Murdoch Childrens Research Institute
Classification: Pathogenic for Basal cell nevus syndrome 1. Last evaluated: 2022-02-02. Review status: criteria provided, single submitter. Criteria: ACMG Guidelines, 2015. Collection method: clinical testing. Allele origin: germline. Inheritance: Autosomal dominant inheritance.
Comment: Based on the classification scheme VCGS_Germline_v1.3.4, this variant is classified as Pathogenic. Following criteria are met: 0102 - Loss of function is a known mechanism of disease in this gene and is associated with basal cell nevus syndrome or Gorlin syndrome (MIM#109400). Gain of function variants have been postulated to be associated with holoprosencephaly 7 (MIM#610828; PMID: 18830227). (I) 0107 - This gene is associated with autosomal dominant disease. (I) 0115 - Variants in this gene are known to have variable expressivity. Families with identical genotypes have been reported with variable phenotypes (OMIM). (I) 0211 - Canonical splice site variant without proven consequence on splicing (no functional evidence available). (SP) 0251 - This variant is heterozygous. (I) 0301 - Variant is absent from gnomAD (both v2 and v3). (SP) 0505 - Abnormal splicing is predicted by in silico tools and affected nucleotide is highly conserved. (SP) 0703 - Other canonical splice site variants comparable to the one identified in this case have moderate previous evidence for pathogenicity. Two other variants affecting the same canonical splice site have been reported pathogenic in ClinVar, and one of these has been reported in the literature in a patient with basal cell nevus syndrome (PMID: 24814739). (SP) 0803 - This variant has limited previous evidence of pathogenicity in unrelated individuals. This variant has been reported pathogenic twice in the ClinVar database. (SP) 0905 - No published segregation evidence has been identified for this variant. (I) 1007 - No published functional evidence has been identified for this variant. (I) 1208 - Inheritance information for this variant is not currently available in this individual. (I) Legend: (SP) - Supporting pathogenic, (I) - Information, (SB) - Supporting benign

Literature cited by the submitters: PubMed 16199547 (cited by Labcorp Genetics (formerly Invitae), Labcorp); PubMed 16301862 (cited by Labcorp Genetics (formerly Invitae), Labcorp); PubMed 16419085 (cited by Labcorp Genetics (formerly Invitae), Labcorp); PubMed 24814739 (cited by Labcorp Genetics (formerly Invitae), Labcorp and Victorian Clinical Genetics Services, Murdoch Childrens Research Institute); PubMed 18830227 (cited by Victorian Clinical Genetics Services, Murdoch Childrens Research Institute).